The following is an entry in ClinVar:

ClinVar aggregate classification (germline): Uncertain significance (1 of 4 stars; one submission).

Allele frequency attached by ClinVar (database versions not stated): TOPMed 0.00003; gnomAD 0.00001; gnomAD exomes below 0.00001.
gnomAD v4.1: 5 of 1,613,830 alleles (0.00031%); highest among the groups gnomAD compares: Admixed American, 0.0033%; no homozygotes.

Submission:

Labcorp Genetics (formerly Invitae), Labcorp
Classification: Uncertain significance. Last evaluated: 2022-02-27. Review status: criteria provided, single submitter. Criteria: Invitae Variant Classification Sherloc (09022015). Collection method: clinical testing. Allele origin: germline.
Comment: This sequence change replaces glycine, which is neutral and non-polar, with aspartic acid, which is acidic and polar, at codon 747 of the HPS3 protein (p.Gly747Asp). This variant is present in population databases (no rsID available, gnomAD 0.007%). This variant has not been reported in the literature in individuals affected with HPS3-related conditions. Algorithms developed to predict the effect of missense changes on protein structure and function are either unavailable or do not agree on the potential impact of this missense change (SIFT: "Tolerated"; PolyPhen-2: "Probably Damaging"; Align-GVGD: "Class C0"). In summary, the available evidence is currently insufficient to determine the role of this variant in disease. Therefore, it has been classified as a Variant of Uncertain Significance.

NM_032383.5(HPS3):c.2240G>A (p.Gly747Asp)

Gene: HPS3 (HPS3 biogenesis of lysosomal organelles complex 2 subunit 1; plus strand). Cytogenetic location: 3q24.
Variant type: single nucleotide variant.
Coding change: c.2240G>A on transcript NM_032383.5 (MANE Select); coding-DNA position 2240, G replaced by A.
Protein change: p.Gly747Asp; replaces glycine 747 with aspartic acid.
Molecular consequence: missense variant.
Genome position (GRCh38, 1-based): chr3:149,162,281, G>A. VCF-style: chr3-149162281-G-A. GRCh37 (hg19) VCF-style: chr3-148880068-G-A.
Other names: c.1745G>A, p.Gly582Asp (NM_001308258.2); short protein forms G582D, G747D.
Identifiers: ClinVar variation 1376629 (VCV001376629.5), dbSNP rs868194242, ClinGen allele CA85514135.